The following is an entry in ClinVar:

NM_001387263.1(PATL2):c.1453C>T (p.His485Tyr)

Gene: PATL2 (PAT1 homolog 2; minus strand). Cytogenetic location: 15q21.1.
Variant type: single nucleotide variant.
Coding change: c.1453C>T on transcript NM_001387263.1 (MANE Select); coding-DNA position 1453, C replaced by T.
Protein change: p.His485Tyr; replaces histidine 485 with tyrosine.
Molecular consequence: missense variant.
Genome position (GRCh38, 1-based): chr15:44,667,116, G>A on the plus strand (C>T on the coding strand, the complement: PATL2 is on the minus strand). VCF-style: chr15-44667116-G-A. GRCh37 (hg19) VCF-style: chr15-44959314-G-A.
Other names: c.1453C>T, p.His485Tyr (NM_001145112.2, NM_001387261.1, NM_001387262.1); c.886C>T, p.His296Tyr (NM_001330283.2); c.1360C>T, p.His454Tyr (NM_001387260.1, NM_001387264.1); short protein forms H296Y, H454Y, H485Y.
Identifiers: ClinVar variation 3025931 (VCV003025931.22), dbSNP rs2085412928, ClinGen allele CA392240008.

ClinVar aggregate classification (germline): Uncertain significance (1 of 4 stars; one submission).

Allele frequency attached by ClinVar (database versions not stated): gnomAD exomes below 0.00001.

Submission:

CeGaT Center for Human Genetics Tuebingen
Classification: Uncertain significance. Last evaluated: 2024-02-01. Review status: criteria provided, single submitter. Criteria: CeGaT Center For Human Genetics Tuebingen Variant Classification Criteria Version 2. Collection method: clinical testing. Allele origin: germline. Affected: yes. Observed: 1 variant allele.
Comment: PATL2: PM2, BP4